The following is an entry in ClinVar:

NM_001358530.2(MOCS1):c.124-74C>A

Gene: MOCS1 (molybdenum cofactor synthesis 1; minus strand). Cytogenetic location: 6p21.2.
Variant type: single nucleotide variant.
Coding change: c.124-74C>A on transcript NM_001358530.2 (MANE Select); 74 bases into the intron before coding-DNA position 124, C replaced by A.
Molecular consequence: intron variant. On other transcripts: missense variant (1).
Genome position (GRCh38, 1-based): chr6:39,927,529, G>T on the plus strand (C>A on the coding strand, the complement: MOCS1 is on the minus strand). VCF-style: chr6-39927529-G-T. GRCh37 (hg19) VCF-style: chr6-39895268-G-T.
Other names: c.50C>A, p.Ala17Glu (NM_005943.6); c.-11-1684C>A (NM_001358531.2, NM_001358533.2); c.124-74C>A (NM_001358529.2, NM_001075098.4); c.-138-74C>A (NM_001358534.2); short protein forms A17E.
Identifiers: ClinVar variation 2579000 (VCV002579000.25), dbSNP rs751776587, ClinGen allele CA3796449.

ClinVar aggregate classification (germline): Uncertain significance (1 of 4 stars; one submission).

Allele frequency attached by ClinVar (database versions not stated): ExAC 0.00001.
gnomAD v4.1: 12 of 1,611,194 alleles (0.00074%); highest among the groups gnomAD compares: Non-Finnish European, 0.001%; no homozygotes.

Submission:

CeGaT Center for Human Genetics Tuebingen
Classification: Uncertain significance. Last evaluated: 2023-08-01. Review status: criteria provided, single submitter. Criteria: CeGaT Center For Human Genetics Tuebingen Variant Classification Criteria Version 2. Collection method: clinical testing. Allele origin: germline. Affected: yes. Observed: 1 variant allele.
Comment: MOCS1: PM2